The following is an entry in ClinVar:

NM_024734.4(CLMN):c.826G>A (p.Glu276Lys)

Gene: CLMN (calmin; minus strand). Cytogenetic location: 14q32.13.
Variant type: single nucleotide variant.
Coding change: c.826G>A on transcript NM_024734.4 (MANE Select); coding-DNA position 826, G replaced by A.
Protein change: p.Glu276Lys; replaces glutamic acid 276 with lysine.
Molecular consequence: missense variant.
Genome position (GRCh38, 1-based): chr14:95,209,454, C>T on the plus strand (G>A on the coding strand, the complement: CLMN is on the minus strand). VCF-style: chr14-95209454-C-T. GRCh37 (hg19) VCF-style: chr14-95675791-C-T.
Other names: short protein forms E276K.
Identifiers: ClinVar variation 784612 (VCV000784612.6), dbSNP rs118150470, ClinGen allele CA7332311.

ClinVar aggregate classification (germline): Likely benign. Review status: criteria provided, multiple submitters, no conflicts (2 of 4 stars). 3 submissions from 3 submitters: Likely benign (2). 1 of the submissions does not count toward it. Last evaluated 2018-09-28.

Conditions:
CLMN-related disorder. Also called: CLMN-related condition.

Allele frequency attached by ClinVar (database versions not stated): 1000 Genomes Project 0.00120; gnomAD exomes 0.00320 and 0.00193; ESP Exome Variant Server 0.00354; 1000 Genomes Project 30x 0.00109; TOPMed 0.00214; gnomAD 0.00240 and 0.00248; ExAC 0.00207.
gnomAD v4.1: 5,016 of 1,614,076 alleles (0.31%); highest among the groups gnomAD compares: Non-Finnish European, 0.39%; 13 homozygotes.

Submissions (3):

Labcorp Genetics (formerly Invitae), Labcorp
Classification: Likely benign. Last evaluated: 2018-09-28. Review status: criteria provided, single submitter. Criteria: Invitae Variant Classification Sherloc (09022015). Collection method: clinical testing. Allele origin: germline.

Breakthrough Genomics
Classification: Likely benign. Review status: criteria provided, single submitter. Criteria: ACMG Guidelines, 2015. Collection method: not provided. Allele origin: germline. Inheritance: Unknown mechanism. Affected: yes.

PreventionGenetics, part of Exact Sciences
Classification: Likely benign for CLMN-related condition. Last evaluated: 2022-04-05. Review status: no assertion criteria provided. Collection method: clinical testing. Allele origin: germline. Not counted in ClinVar's aggregate classification.
Comment: This variant is classified as likely benign based on ACMG/AMP sequence variant interpretation guidelines (Richards et al. 2015 PMID: 25741868, with internal and published modifications).